The following is an entry in ClinVar:

ClinVar aggregate classification (germline): Uncertain significance (1 of 4 stars; one submission).

Allele frequency attached by ClinVar (database versions not stated): ExAC 0.00001; gnomAD 0.00001; TOPMed 0.00001; gnomAD exomes 0.00004.
gnomAD v4.1: 59 of 1,613,984 alleles (0.0037%); highest among the groups gnomAD compares: Non-Finnish European, 0.0049%; no homozygotes.

Submission:

Labcorp Genetics (formerly Invitae), Labcorp
Classification: Uncertain significance. Last evaluated: 2022-05-24. Review status: criteria provided, single submitter. Criteria: Invitae Variant Classification Sherloc (09022015). Collection method: clinical testing. Allele origin: germline.
Comment: This variant has not been reported in the literature in individuals affected with SYT2-related conditions. This variant is present in population databases (rs746553476, gnomAD 0.004%). This sequence change replaces arginine, which is basic and polar, with lysine, which is basic and polar, at codon 7 of the SYT2 protein (p.Arg7Lys). Algorithms developed to predict the effect of missense changes on protein structure and function output the following: SIFT: "Tolerated"; PolyPhen-2: "Not Available"; Align-GVGD: "Class C0". The lysine amino acid residue is found in multiple mammalian species, which suggests that this missense change does not adversely affect protein function. In summary, the available evidence is currently insufficient to determine the role of this variant in disease. Therefore, it has been classified as a Variant of Uncertain Significance.

NM_177402.5(SYT2):c.20G>A (p.Arg7Lys)

Gene: SYT2 (synaptotagmin 2; minus strand). Cytogenetic location: 1q32.1.
Variant type: single nucleotide variant.
Coding change: c.20G>A on transcript NM_177402.5 (MANE Select); coding-DNA position 20, G replaced by A.
Protein change: p.Arg7Lys; replaces arginine 7 with lysine.
Molecular consequence: missense variant.
Genome position (GRCh38, 1-based): chr1:202,605,753, C>T on the plus strand (G>A on the coding strand, the complement: SYT2 is on the minus strand). VCF-style: chr1-202605753-C-T. GRCh37 (hg19) VCF-style: chr1-202574881-C-T.
Other names: c.20G>A, p.Arg7Lys (NM_001136504.1); short protein forms R7K.
Identifiers: ClinVar variation 1907482 (VCV001907482.5), dbSNP rs746553476, ClinGen allele CA1333885.